The following is an entry in ClinVar:

NM_001558.4(IL10RA):c.537G>A (p.Thr179=)

Gene: IL10RA (interleukin 10 receptor subunit alpha; plus strand). Cytogenetic location: 11q23.3.
Variant type: single nucleotide variant.
Coding change: c.537G>A on transcript NM_001558.4 (MANE Select); coding-DNA position 537, G replaced by A.
Protein change: p.Thr179=; no amino-acid change (threonine 179 retained).
Molecular consequence: synonymous variant. On other transcripts: non-coding transcript variant (1).
Genome position (GRCh38, 1-based): chr11:117,993,410, G>A. VCF-style: chr11-117993410-G-A. GRCh37 (hg19) VCF-style: chr11-117864125-G-A.
Identifiers: ClinVar variation 830051 (VCV000830051.19), dbSNP rs1419560997, ClinGen allele CA477072210.

ClinVar aggregate classification (germline): Pathogenic/Likely pathogenic. Review status: criteria provided, multiple submitters, no conflicts (2 of 4 stars). 7 submissions from 7 submitters: Pathogenic (6); Likely pathogenic (1). Last evaluated 2025-10-19.

Conditions:
Inflammatory bowel disease 28. Also called: Inflammatory bowel disease 28, early onset, autosomal recessive. Identifiers: Orphanet 238569, MedGen C2751053, MONDO:0013153, OMIM 613148.

Allele frequency attached by ClinVar (database versions not stated): gnomAD exomes 0.00001; TOPMed 0.00003; gnomAD 0.00001.
gnomAD v4.1: 22 of 1,613,778 alleles (0.0014%); highest among the groups gnomAD compares: East Asian, 0.024%; no homozygotes.

Submissions (7):

Labcorp Genetics (formerly Invitae), Labcorp
Classification: Pathogenic for Inflammatory bowel disease 28. Last evaluated: 2025-10-19. Review status: criteria provided, single submitter. Criteria: Invitae Variant Classification Sherloc (09022015). Collection method: clinical testing. Allele origin: germline.
Comment: This sequence change affects codon 179 of the IL10RA mRNA. It is a 'silent' change, meaning that it does not change the encoded amino acid sequence of the IL10RA protein. This variant also falls at the last nucleotide of exon 4, which is part of the consensus splice site for this exon. This variant is present in population databases (no rsID available, gnomAD 0.01%). This variant has been observed in individual(s) with Inflammatory bowel disease (PMID: 26822028, 28267044, 29140941). In at least one individual the data is consistent with being in trans (on the opposite chromosome) from a pathogenic variant. ClinVar contains an entry for this variant (Variation ID: 830051). Variants that disrupt the consensus splice site are a relatively common cause of aberrant splicing (PMID: 17576681, 9536098). Algorithms developed to predict the effect of sequence changes on RNA splicing suggest that this variant may disrupt the consensus splice site. For these reasons, this variant has been classified as Pathogenic.

Dasa
Classification: Pathogenic. Last evaluated: 2025-02-11. Review status: criteria provided, single submitter. Criteria: DASA Assertion Criteria. Collection method: clinical testing. Allele origin: germline.
Comment: NM_001558.4(IL10RA):c.537G>A (p.Thr179=) is a sequence variant. This variant has been observed in affected individuals with related phenotype in a genotype context consistent with recessive disease (PMID: 26822028; PMID: 33849446; PMID: 35481870; PMID: 27177777; PMID: 29531467). Functional evidence supports a deleterious effect on the gene or gene product (PMID: 26822028; PMID: 33849446; PMID: 35481870; PMID: 27177777; PMID: 29531467). This variant has been recurrently observed in individuals with related phenotype (PMID: 26822028; PMID: 33849446; PMID: 35481870; PMID: 27177777; PMID: 29531467). Multiple computational predictions support a deleterious effect on the gene or gene product. The variant is present at low frequency in population datasets. Based on the available data, this variant is classified as pathogenic.

Aleixo Muise Laboratory, Hospital For Sick Children
Classification: Pathogenic for Inflammatory bowel disease 28. Last evaluated: 2024-07-05. Review status: criteria provided, single submitter. Criteria: ACMG Guidelines, 2015. Collection method: research. Allele origin: germline. Affected: yes. Observed: 1 variant allele.
Comment: PVS1;PS1;PM2;PP3;PP4

Diagnostic Genetics, Severance Hospital, Yonsei University College of Medicine
Classification: Pathogenic for Inflammatory bowel disease 28. Last evaluated: 2023-01-03. Review status: criteria provided, single submitter. Criteria: ACMG Guidelines, 2015. Collection method: clinical testing. Allele origin: germline. Affected: yes.

Beijing Key Laboratry for Genetics of Birth Defects, Beijing Children's Hospital
Classification: Likely pathogenic for Inflammatory bowel disease 28. Last evaluated: 2020-02-28. Review status: criteria provided, single submitter. Criteria: ACMG Guidelines, 2015. Collection method: clinical testing. Allele origin: germline. Affected: yes. Observed: 1 variant allele.

Center for Molecular Medicine, Children’s Hospital of Fudan University
Classification: Pathogenic for Inflammatory bowel disease 28. Last evaluated: 2019-05-10. Review status: criteria provided, single submitter. Criteria: ACMG Guidelines, 2015. Collection method: clinical testing. Allele origin: paternal. Affected: yes.

Juno Genomics, Hangzhou Juno Genomics, Inc
Classification: Pathogenic for Inflammatory bowel disease 28. Review status: criteria provided, single submitter. Criteria: ACMG Guidelines, 2015. Collection method: clinical testing. Allele origin: germline. Affected: yes.
Comment: Absent from controls (or at extremely low frequency if recessive) in Genome Aggregation Database.;For recessive disorders, detected in trans with a pathogenic variant.;Patient's phenotype or family history is highly specific for a disease with a single genetic etiology.;Null variant in a gene where loss of function (LOF) is a known mechanism of disease.

Literature cited by the submitters: PubMed 26822028 (cited by Labcorp Genetics (formerly Invitae), Labcorp and Dasa); PubMed 28267044 (cited by Labcorp Genetics (formerly Invitae), Labcorp); PubMed 29140941 (cited by Labcorp Genetics (formerly Invitae), Labcorp); PubMed 17576681 (cited by Labcorp Genetics (formerly Invitae), Labcorp); PubMed 9536098 (cited by Labcorp Genetics (formerly Invitae), Labcorp); PubMed 33849446 (cited by Dasa); PubMed 35481870 (cited by Dasa); PubMed 27177777 (cited by Dasa); PubMed 29531467 (cited by Dasa).